The following is an entry in ClinVar:

ClinVar aggregate classification (germline): Conflicting classifications of pathogenicity. Review status: criteria provided, conflicting classifications (1 of 4 stars). 3 submissions from 3 submitters: Uncertain significance (1); Likely benign (1). 1 of the submissions does not count toward it. Last evaluated 2022-11-27.

Conditions:
PLEC-related disorder. Also called: PLEC-related condition; PLEC-related disorders.
Epidermolysis bullosa simplex, Ogna type (EBS5A). Also called: Pidermolysis bullosa simplex 5A, Ogna type; EPIDERMOLYSIS BULLOSA SIMPLEX 5A, OGNA TYPE. Identifiers: Orphanet 79401, MedGen C0432317, MONDO:0007555, OMIM 131950.
Epidermolysis bullosa simplex with nail dystrophy (EBS5D). Identifiers: MedGen C4225309, MONDO:0014661, OMIM 616487.
Epidermolysis bullosa simplex 5C, with pyloric atresia (EBS5C). Also called: PLEC-Related Epidermolysis Bullosa with Pyloric Atresia; Epidermolysis bullosa simplex with pyloric atresia; PLEC1-Related Epidermolysis Bullosa with Pyloric Atresia. Identifiers: Orphanet 158684, MedGen C2677349, MONDO:0012807, OMIM 612138.
Epidermolysis bullosa simplex 5B, with muscular dystrophy (EBS5B). Also called: EPIDERMOLYSIS BULLOSA SIMPLEX AND LIMB-GIRDLE MUSCULAR DYSTROPHY; Epidermolysis bullosa simplex with muscular dystrophy. Identifiers: Orphanet 257, MedGen C2931072, MONDO:0009181, OMIM 226670.
Autosomal recessive limb-girdle muscular dystrophy type 2Q (LGMDR17). Also called: MUSCULAR DYSTROPHY, LIMB-GIRDLE, AUTOSOMAL RECESSIVE 17. Identifiers: Orphanet 254361, MedGen C3150989, MONDO:0013390, OMIM 613723.

Allele frequency attached by ClinVar (database versions not stated): gnomAD 0.00001; gnomAD exomes 0.00001; TOPMed 0.00001; ExAC 0.00002; 1000 Genomes Project 30x 0.00016.

Submissions (3):

Labcorp Genetics (formerly Invitae), Labcorp
Classification: Likely benign for Autosomal recessive limb-girdle muscular dystrophy type 2Q; Epidermolysis bullosa simplex, Ogna type; Epidermolysis bullosa simplex with nail dystrophy; Epidermolysis bullosa simplex 5C, with pyloric atresia; Epidermolysis bullosa simplex 5B, with muscular dystrophy. Last evaluated: 2022-11-27. Review status: criteria provided, single submitter. Criteria: Invitae Variant Classification Sherloc (09022015). Collection method: clinical testing. Allele origin: germline.

Eurofins Ntd Llc (ga)
Classification: Uncertain significance. Last evaluated: 2013-12-18. Review status: criteria provided, single submitter. Criteria: EGL Classification Definitions 2015. Collection method: clinical testing. Allele origin: germline. Observed: 1 variant allele, 1 heterozygote.

PreventionGenetics, part of Exact Sciences
Classification: Benign for PLEC-related condition. Last evaluated: 2019-06-20. Review status: no assertion criteria provided. Collection method: clinical testing. Allele origin: germline. Not counted in ClinVar's aggregate classification.
Comment: This variant is classified as benign based on ACMG/AMP sequence variant interpretation guidelines (Richards et al. 2015 PMID: 25741868, with internal and published modifications).

NM_201384.3(PLEC):c.10359G>A (p.Lys3453=)

Gene: PLEC (plectin; minus strand). Cytogenetic location: 8q24.3.
Variant type: single nucleotide variant.
Coding change: c.10359G>A on transcript NM_201384.3 (MANE Select); coding-DNA position 10359, G replaced by A.
Protein change: p.Lys3453=; no amino-acid change (lysine 3453 retained).
Molecular consequence: synonymous variant.
Genome position (GRCh38, 1-based): chr8:143,919,462, C>T on the plus strand (G>A on the coding strand, the complement: PLEC is on the minus strand). VCF-style: chr8-143919462-C-T. GRCh37 (hg19) VCF-style: chr8-144993630-C-T.
Other names: c.10440G>A (NM_000445.4); c.10440G>A, p.Lys3480= (NM_000445.5); c.10317G>A, p.Lys3439= (NM_201378.4); c.10293G>A, p.Lys3431= (NM_201379.3); c.10770G>A, p.Lys3590= (NM_201380.4); c.10263G>A, p.Lys3421= (NM_201381.3); c.10359G>A, p.Lys3453= (NM_201382.4); c.10371G>A, p.Lys3457= (NM_201383.3).
Identifiers: ClinVar variation 167505 (VCV000167505.15), dbSNP rs782140099, ClinGen allele CA234625.